The following is an entry in ClinVar:

ClinVar aggregate classification (germline): Likely benign. Review status: criteria provided, multiple submitters, no conflicts (2 of 4 stars). 2 submissions from 2 submitters: Likely benign (2). Last evaluated 2024-03-14.

Conditions:
Combined malonic and methylmalonic acidemia. Identifiers: Orphanet 289504, MedGen C3280314, MONDO:0013661, OMIM 614265.

Allele frequency attached by ClinVar (database versions not stated): gnomAD 0.00001; TOPMed 0.00002.

Submissions (2):

Labcorp Genetics (formerly Invitae), Labcorp
Classification: Likely benign for Combined malonic and methylmalonic acidemia. Last evaluated: 2024-03-14. Review status: criteria provided, single submitter. Criteria: Invitae Variant Classification Sherloc (09022015). Collection method: clinical testing. Allele origin: germline.

GeneDx
Classification: Likely benign. Last evaluated: 2016-04-21. Review status: criteria provided, single submitter. Criteria: GeneDx Variant Classification (06012015). Collection method: clinical testing. Allele origin: germline. Affected: yes.
Comment: This variant is considered likely benign or benign based on one or more of the following criteria: it is a conservative change, it occurs at a poorly conserved position in the protein, it is predicted to be benign by multiple in silico algorithms, and/or has population frequency not consistent with disease.

NM_001243279.3(ACSF3):c.1101C>T (p.Pro367=)

Genes: ACSF3 (acyl-CoA synthetase family member 3; plus strand), LOC125177393 (P300/CBP strongly-dependent group 1 enhancer GRCh37_chr16:89180375-89181574; plus strand). Cytogenetic location: 16q24.3.
Variant type: single nucleotide variant.
Coding change: c.1101C>T on transcript NM_001243279.3 (MANE Select); coding-DNA position 1101, C replaced by T.
Protein change: p.Pro367=; no amino-acid change (proline 367 retained).
Molecular consequence: synonymous variant. On other transcripts: non-coding transcript variant (2).
Genome position (GRCh38, 1-based): chr16:89,114,462, C>T. VCF-style: chr16-89114462-C-T. GRCh37 (hg19) VCF-style: chr16-89180870-C-T.
Other names: c.1101C>T, p.Pro367= (NM_001127214.4, NM_174917.5); c.306C>T, p.Pro102= (NM_001284316.2).
Identifiers: ClinVar variation 385427 (VCV000385427.6), dbSNP rs765752531, ClinGen allele CA16608316.